The following is an entry in ClinVar:

ClinVar aggregate classification (germline): Likely pathogenic (1 of 4 stars; one submission).

Conditions:
PCNT-related disorder. Also called: PCNT-related condition.

Submission:

PreventionGenetics, part of Exact Sciences
Classification: Likely pathogenic for PCNT-related condition. Last evaluated: 2025-07-29. Review status: criteria provided, single submitter. Criteria: ACMG Guidelines, 2015. Collection method: clinical testing. Allele origin: germline.
Comment: The PCNT c.7996C>T variant is predicted to result in premature protein termination (p.Gln2666*). To our knowledge, this variant has not been reported in the literature or in a large population database (gnomAD), indicating this variant is rare. Nonsense variants in PCNT are expected to be pathogenic. This variant is interpreted as likely pathogenic.

NM_006031.6(PCNT):c.7996C>T (p.Gln2666Ter)

Gene: PCNT (pericentrin; plus strand). Cytogenetic location: 21q22.3.
Variant type: single nucleotide variant.
Coding change: c.7996C>T on transcript NM_006031.6 (MANE Select); coding-DNA position 7996, C replaced by T.
Protein change: p.Gln2666Ter; replaces glutamine 2666 with a stop codon.
Molecular consequence: nonsense.
Genome position (GRCh38, 1-based): chr21:46,430,589, C>T. VCF-style: chr21-46430589-C-T. GRCh37 (hg19) VCF-style: chr21-47850503-C-T.
Other names: c.7642C>T, p.Gln2548Ter (NM_001315529.2); short protein forms Q2548*, Q2666*.
Identifiers: ClinVar variation 5000655 (VCV005000655.1).
Genomic context (GRCh38, chr21:46,430,589, plus strand): 5'-AACGAGCTGAAGGCCGCGCTTCAGGAGCTGGAGAGTGAGCAGGGGAAGGGGCGTGCCCTG[C>T]AGAGCCAGCTGGAGGAGGAGCAGCTGCGGCACCTGCAGAGGGAGAGCCAGAGTGCCAAGG-3'